The following is an entry in ClinVar:

ClinVar aggregate classification (germline): Uncertain significance (1 of 4 stars; one submission).

Conditions:
2-aminoadipic 2-oxoadipic aciduria (AAKAD). Also called: Aminoadipic aciduria; ALPHA-AMINOADIPIC AND ALPHA-KETOADIPIC ACIDURIA. Identifiers: Orphanet 79154, MedGen C1859817, MONDO:0008774, OMIM 204750.

gnomAD v4.1: 3 of 1,613,382 alleles (0.00019%); highest among the groups gnomAD compares: South Asian, 0.0011%; no homozygotes.

Submission:

Labcorp Genetics (formerly Invitae), Labcorp
Classification: Uncertain significance for 2-aminoadipic 2-oxoadipic aciduria. Last evaluated: 2025-09-23. Review status: criteria provided, single submitter. Criteria: Invitae Variant Classification Sherloc (09022015). Collection method: clinical testing. Allele origin: germline.
Comment: This sequence change replaces valine, which is neutral and non-polar, with glycine, which is neutral and non-polar, at codon 118 of the DHTKD1 protein (p.Val118Gly). This variant is not present in population databases (gnomAD no frequency). This variant has not been reported in the literature in individuals affected with DHTKD1-related conditions. Invitae Evidence Modeling of protein sequence and biophysical properties (such as structural, functional, and spatial information, amino acid conservation, physicochemical variation, residue mobility, and thermodynamic stability) indicates that this missense variant is expected to disrupt DHTKD1 protein function with a positive predictive value of 80%. In summary, the available evidence is currently insufficient to determine the role of this variant in disease. Therefore, it has been classified as a Variant of Uncertain Significance.

NM_018706.7(DHTKD1):c.353T>G (p.Val118Gly)

Gene: DHTKD1 (dehydrogenase E1 and transketolase domain containing 1; plus strand). Cytogenetic location: 10p14.
Variant type: single nucleotide variant.
Coding change: c.353T>G on transcript NM_018706.7 (MANE Select); coding-DNA position 353, T replaced by G.
Protein change: p.Val118Gly; replaces valine 118 with glycine.
Molecular consequence: missense variant.
Genome position (GRCh38, 1-based): chr10:12,084,582, T>G. VCF-style: chr10-12084582-T-G. GRCh37 (hg19) VCF-style: chr10-12126581-T-G.
Other names: short protein forms V118G.
Identifiers: ClinVar variation 4745061 (VCV004745061.1).
Genomic context (GRCh38, chr10:12,084,582, plus strand): 5'-TTTGATTGTATTTCACAGGATTATTGAACATGGGGAAGGAAGAGGCCTCACTTGAGGAAG[T>G]GTTAGTCTATCTCAATCAAATCTACTGTGGGCAGATTTCTATTGAAACCTCCCAACTTCA-3'
Protein context (NP_061176.4, residues 108-128): MGKEEASLEE[Val118Gly]LVYLNQIYCG